The following is an entry in ClinVar:

ClinVar aggregate classification (germline): Uncertain significance (1 of 4 stars; one submission).

Conditions:
Fanconi-Bickel syndrome (FBS). Also called: PSEUDO-PHLORIZIN DIABETES; FANCONI SYNDROME WITH INTESTINAL MALABSORPTION AND GALACTOSE INTOLERANCE; HEPATIC GLYCOGENOSIS WITH AMINO ACIDURIA AND GLUCOSURIA; HEPATIC GLYCOGENOSIS WITH FANCONI NEPHROPATHY; HEPATORENAL GLYCOGENOSIS WITH RENAL FANCONI SYNDROME; Glycogen storage disease due to GLUT2 deficiency. Identifiers: Orphanet 2088, MedGen C3495427, MONDO:0009216, OMIM 227810.

Allele frequency attached by ClinVar (database versions not stated): ExAC 0.00002; gnomAD 0.00002; TOPMed 0.00002; gnomAD exomes 0.00004.
gnomAD v4.1: 66 of 1,612,714 alleles (0.0041%); highest among the groups gnomAD compares: Non-Finnish European, 0.0055%; no homozygotes.

Submission:

Labcorp Genetics (formerly Invitae), Labcorp
Classification: Uncertain significance for Fanconi-Bickel syndrome. Last evaluated: 2022-07-15. Review status: criteria provided, single submitter. Criteria: Invitae Variant Classification Sherloc (09022015). Collection method: clinical testing. Allele origin: germline.
Comment: In summary, the available evidence is currently insufficient to determine the role of this variant in disease. Therefore, it has been classified as a Variant of Uncertain Significance. Advanced modeling of protein sequence and biophysical properties (such as structural, functional, and spatial information, amino acid conservation, physicochemical variation, residue mobility, and thermodynamic stability) performed at Invitae indicates that this missense variant is not expected to disrupt SLC2A2 protein function. This variant has not been reported in the literature in individuals affected with SLC2A2-related conditions. This variant is present in population databases (rs765426962, gnomAD 0.005%). This sequence change replaces lysine, which is basic and polar, with threonine, which is neutral and polar, at codon 278 of the SLC2A2 protein (p.Lys278Thr).

NM_000340.2(SLC2A2):c.833A>C (p.Lys278Thr)

Gene: SLC2A2 (solute carrier family 2 member 2; minus strand). Cytogenetic location: 3q26.2.
Variant type: single nucleotide variant.
Coding change: c.833A>C on transcript NM_000340.2 (MANE Select); coding-DNA position 833, A replaced by C.
Protein change: p.Lys278Thr; replaces lysine 278 with threonine.
Molecular consequence: missense variant.
Genome position (GRCh38, 1-based): chr3:171,005,415, T>G on the plus strand (A>C on the coding strand, the complement: SLC2A2 is on the minus strand). VCF-style: chr3-171005415-T-G. GRCh37 (hg19) VCF-style: chr3-170723204-T-G.
Other names: c.476A>C, p.Lys159Thr (NM_001278658.2); c.314A>C, p.Lys105Thr (NM_001278659.2); short protein forms K105T, K159T, K278T.
Identifiers: ClinVar variation 1896238 (VCV001896238.5), dbSNP rs765426962, ClinGen allele CA2702566.